The following is an entry in ClinVar:

ClinVar aggregate classification (germline): Uncertain significance. Review status: criteria provided, multiple submitters, no conflicts (2 of 4 stars). 2 submissions from 2 submitters: Uncertain significance (2). Last evaluated 2025-11-03.

Conditions:
LTBP3-related disorder. Also called: LTBP3-related condition.
Brachyolmia-amelogenesis imperfecta syndrome. Also called: PLATYSPONDYLY WITH AMELOGENESIS IMPERFECTA; Tooth agenesis, selective, 6; Dental anomalies and short stature. Identifiers: Orphanet 2899, MedGen C1832594, MONDO:0011018, OMIM 601216. Disease mechanism: loss of function.

Submissions (2):

PreventionGenetics, part of Exact Sciences
Classification: Uncertain significance for LTBP3-related condition. Last evaluated: 2025-11-03. Review status: criteria provided, single submitter. Criteria: ACMG Guidelines, 2015. Collection method: clinical testing. Allele origin: germline.
Comment: The LTBP3 c.664_681dup18 variant is predicted to result in an in-frame duplication (p.Gln222_Val227dup). To our knowledge, this variant has not been reported in the literature or in a large population database (gnomAD), indicating this variant is rare. At this time, the clinical significance of this variant is uncertain due to the absence of conclusive functional and genetic evidence.

Labcorp Genetics (formerly Invitae), Labcorp
Classification: Uncertain significance for Brachyolmia-amelogenesis imperfecta syndrome. Last evaluated: 2025-03-25. Review status: criteria provided, single submitter. Criteria: Invitae Variant Classification Sherloc (09022015). Collection method: clinical testing. Allele origin: germline.
Comment: This variant, c.664_681dup, results in the insertion of 6 amino acid(s) of the LTBP3 protein (p.Gln222_Val227dup), but otherwise preserves the integrity of the reading frame. This variant is not present in population databases (gnomAD no frequency). This variant has not been reported in the literature in individuals affected with LTBP3-related conditions. ClinVar contains an entry for this variant (Variation ID: 1941314). In summary, the available evidence is currently insufficient to determine the role of this variant in disease. Therefore, it has been classified as a Variant of Uncertain Significance.

NM_001130144.2(LTBP3):c.664_681dup18

Gene: LTBP3 (latent transforming growth factor beta binding protein 3; minus strand). Cytogenetic location: 11q13.1.
Variant type: Duplication.
Coding change: c.664_681dup18 on transcript NM_001130144.2; coding-DNA positions 664 to 681, 18 bases duplicated (CAGGCCCCGCCCCCCGTG).
Genome position (GRCh38, 1-based): chr11:65,553,884-65,553,901, CACGGGGGGCGGGGCCTG duplicated on the plus strand (CAGGCCCCGCCCCCCGTG on the coding strand, the reverse complement: LTBP3 is on the minus strand); duplicating any 18 consecutive bases within chr11:65,553,884-65,553,904 gives the same sequence; the c. name uses the placement nearest the transcript's 3' end. VCF-style (leftmost placement, unchanged base first): chr11-65553883-C-CCACGGGGGGCGGGGCCTG. GRCh37 (hg19) VCF-style: chr11-65321354-C-CCACGGGGGGCGGGGCCTG.
Identifiers: ClinVar variation 1941314 (VCV001941314.6), dbSNP rs2496176447, ClinGen allele CA2580084634.